The following is an entry in ClinVar:

ClinVar aggregate classification (germline): Likely benign. Review status: criteria provided, multiple submitters, no conflicts (2 of 4 stars). 3 submissions from 3 submitters: Likely benign (2). 1 of the submissions does not count toward it. Last evaluated 2026-07-01.

Conditions:
TCF3-related disorder. Also called: TCF3-related condition.

Allele frequency attached by ClinVar (database versions not stated): 1000 Genomes Project 30x 0.00016; ExAC 0.00018; 1000 Genomes Project 0.00020; ESP Exome Variant Server 0.00062.
gnomAD v4.1: 111 of 1,593,338 alleles (0.007%); highest among the groups gnomAD compares: African/African-American, 0.04%; no homozygotes.

Submissions (3):

CeGaT Center for Human Genetics Tuebingen
Classification: Likely benign. Last evaluated: 2026-07-01. Review status: criteria provided, single submitter. Criteria: CeGaT Center For Human Genetics Tuebingen Variant Classification Criteria Version 2. Collection method: clinical testing. Allele origin: germline. Affected: yes. Observed: 2 variant alleles.
Comment: TCF3: BP4, BP7

Labcorp Genetics (formerly Invitae), Labcorp
Classification: Likely benign. Last evaluated: 2025-11-15. Review status: criteria provided, single submitter. Criteria: Invitae Variant Classification Sherloc (09022015). Collection method: clinical testing. Allele origin: germline.

PreventionGenetics, part of Exact Sciences
Classification: Likely benign for TCF3-related condition. Last evaluated: 2023-10-04. Review status: no assertion criteria provided. Collection method: clinical testing. Allele origin: germline. Not counted in ClinVar's aggregate classification.
Comment: This variant is classified as likely benign based on ACMG/AMP sequence variant interpretation guidelines (Richards et al. 2015 PMID: 25741868, with internal and published modifications).

NM_003200.5(TCF3):c.1251G>A (p.Thr417=)

Gene: TCF3 (transcription factor 3; minus strand). Cytogenetic location: 19p13.3.
Variant type: single nucleotide variant.
Coding change: c.1251G>A on transcript NM_003200.5 (MANE Select); coding-DNA position 1251, G replaced by A.
Protein change: p.Thr417=; no amino-acid change (threonine 417 retained).
Molecular consequence: synonymous variant.
Genome position (GRCh38, 1-based): chr19:1,619,391, C>T on the plus strand (G>A on the coding strand, the complement: TCF3 is on the minus strand). VCF-style: chr19-1619391-C-T. GRCh37 (hg19) VCF-style: chr19-1619390-C-T.
Other names: c.1251G>A (NM_003200.3); c.1251G>A, p.Thr417= (NM_001136139.4, NM_001351779.2); c.1248G>A, p.Thr416= (NM_001351778.2).
Identifiers: ClinVar variation 2039019 (VCV002039019.13), dbSNP rs147824695, ClinGen allele CA9049959.